The following is an entry in ClinVar:

ClinVar aggregate classification (germline): Uncertain significance (1 of 4 stars; one submission).

Conditions:
Hereditary cancer-predisposing syndrome. Also called: Neoplastic Syndromes, Hereditary; Tumor predisposition; Hereditary Cancer Syndrome; Hereditary neoplastic syndrome. Identifiers: Orphanet 140162, MedGen C0027672, MeSH D009386, MONDO:0015356.

gnomAD v4.1: 1 of 1,605,500 alleles (0.000062%); highest among the groups gnomAD compares: Non-Finnish European, 0.000085%; no homozygotes.

Submission:

Ambry Genetics
Classification: Uncertain significance for Hereditary cancer-predisposing syndrome. Last evaluated: 2026-02-03. Review status: criteria provided, single submitter. Criteria: Ambry Variant Classification Scheme 2023. Collection method: clinical testing. Allele origin: germline.
Comment: The p.I790T variant (also known as c.2369T>C), located in coding exon 18 of the POLD1 gene, results from a T to C substitution at nucleotide position 2369. The isoleucine at codon 790 is replaced by threonine, an amino acid with similar properties. This amino acid position is highly conserved in available vertebrate species. In addition, this alteration is predicted to be deleterious by in silico analysis. Based on the available evidence, the clinical significance of this variant remains unclear.

NM_002691.4(POLD1):c.2369T>C (p.Ile790Thr)

Gene: POLD1 (DNA polymerase delta 1, catalytic subunit; plus strand). Cytogenetic location: 19q13.33.
Variant type: single nucleotide variant.
Coding change: c.2369T>C on transcript NM_002691.4 (MANE Select); coding-DNA position 2369, T replaced by C.
Protein change: p.Ile790Thr; replaces isoleucine 790 with threonine.
Molecular consequence: missense variant. On other transcripts: non-coding transcript variant (1).
Genome position (GRCh38, 1-based): chr19:50,413,860, T>C. VCF-style: chr19-50413860-T-C. GRCh37 (hg19) VCF-style: chr19-50917117-T-C.
Other names: c.2297T>C, p.Ile766Thr (NM_001438211.1, NM_001438210.1); c.2369T>C, p.Ile790Thr (NM_001438212.1, NM_001438213.1, NM_001256849.1); c.2447T>C, p.Ile816Thr (NM_001308632.1); short protein forms I766T, I816T, I790T.
Identifiers: ClinVar variation 4844390 (VCV004844390.1).